The following is an entry in ClinVar:

ClinVar aggregate classification (germline): Likely benign (0 of 4 stars; one submission).

Conditions:
PCNT-related disorder. Also called: PCNT-related condition.

gnomAD v4.1: 1 of 1,565,584 alleles (0.000064%); highest among the groups gnomAD compares: South Asian, 0.0012%; no homozygotes.

Submission:

PreventionGenetics, part of Exact Sciences
Classification: Likely benign for PCNT-related condition. Last evaluated: 2021-07-27. Review status: no assertion criteria provided. Collection method: clinical testing. Allele origin: germline.
Comment: This variant is classified as likely benign based on ACMG/AMP sequence variant interpretation guidelines (Richards et al. 2015 PMID: 25741868, with internal and published modifications).

NM_006031.6(PCNT):c.6774A>G (p.Thr2258=)

Gene: PCNT (pericentrin; plus strand). Cytogenetic location: 21q22.3.
Variant type: single nucleotide variant.
Coding change: c.6774A>G on transcript NM_006031.6 (MANE Select); coding-DNA position 6774, A replaced by G.
Protein change: p.Thr2258=; no amino-acid change (threonine 2258 retained).
Molecular consequence: synonymous variant.
Genome position (GRCh38, 1-based): chr21:46,416,692, A>G. VCF-style: chr21-46416692-A-G. GRCh37 (hg19) VCF-style: chr21-47836606-A-G.
Other names: c.6420A>G, p.Thr2140= (NM_001315529.2).
Identifiers: ClinVar variation 3357340 (VCV003357340.1).
Genomic context (GRCh38, chr21:46,416,692, plus strand): 5'-CTGGCCCAGCCTCCCCGTGACACCCCACTCAGGAGCCCTGAGCCTGTGCAGTGCCGACAC[A>G]TCCCTGGGGGACAGGGCGGACACCTCGCTGCCACAGACCCAGGGGCCGGGGCTGCTTTGT-3'
Protein context (NP_006022.3, residues 2248-2268): SGALSLCSAD[Thr2258=]SLGDRADTSL